The following is an entry in ClinVar:

ClinVar aggregate classification (germline): Uncertain significance (1 of 4 stars; one submission).

Conditions:
Fanconi anemia (FA). Also called: Fanconi's anemia. Identifiers: Orphanet 84, MedGen C0015625, MeSH D005199, MONDO:0019391.

gnomAD v4.1: 7 of 1,608,484 alleles (0.00044%); highest among the groups gnomAD compares: South Asian, 0.0066%; no homozygotes.

Submission:

Labcorp Genetics (formerly Invitae), Labcorp
Classification: Uncertain significance for Fanconi anemia. Last evaluated: 2025-09-28. Review status: criteria provided, single submitter. Criteria: Invitae Variant Classification Sherloc (09022015). Collection method: clinical testing. Allele origin: germline.
Comment: This sequence change replaces isoleucine, which is neutral and non-polar, with serine, which is neutral and polar, at codon 1422 of the FANCM protein (p.Ile1422Ser). This variant is present in population databases (rs552998502, gnomAD 0.02%). This variant has not been reported in the literature in individuals affected with FANCM-related conditions. An algorithm developed to predict the effect of missense changes on protein structure and function (PolyPhen-2) suggests that this variant is likely to be tolerated. In summary, the available evidence is currently insufficient to determine the role of this variant in disease. Therefore, it has been classified as a Variant of Uncertain Significance.

NM_020937.4(FANCM):c.4265T>G (p.Ile1422Ser)

Gene: FANCM (FA complementation group M; plus strand). Cytogenetic location: 14q21.2.
Variant type: single nucleotide variant.
Coding change: c.4265T>G on transcript NM_020937.4 (MANE Select); coding-DNA position 4265, T replaced by G.
Protein change: p.Ile1422Ser; replaces isoleucine 1422 with serine.
Molecular consequence: missense variant.
Genome position (GRCh38, 1-based): chr14:45,181,472, T>G. VCF-style: chr14-45181472-T-G. GRCh37 (hg19) VCF-style: chr14-45650675-T-G.
Other names: c.4187T>G, p.Ile1396Ser (NM_001308133.2); short protein forms I1396S, I1422S.
Identifiers: ClinVar variation 4748508 (VCV004748508.1).